The following is an entry in ClinVar:

ClinVar aggregate classification (germline): Uncertain significance. Review status: criteria provided, multiple submitters, no conflicts (2 of 4 stars). 2 submissions from 2 submitters: Uncertain significance (2). Last evaluated 2025-03-18.

Conditions:
DLL1-related disorder. Also called: DLL1-related condition.
Neurodevelopmental disorder with nonspecific brain abnormalities and with or without seizures. Identifiers: MedGen C5231470, MONDO:0032877, OMIM 618709.

Allele frequency attached by ClinVar (database versions not stated): gnomAD 0.00001; gnomAD exomes 0.00001; ExAC 0.00002; TOPMed 0.00002; ESP Exome Variant Server 0.00015.

Submissions (2):

PreventionGenetics, part of Exact Sciences
Classification: Uncertain significance for DLL1-related condition. Last evaluated: 2025-03-18. Review status: criteria provided, single submitter. Criteria: ACMG Guidelines, 2015. Collection method: clinical testing. Allele origin: germline.
Comment: The DLL1 c.1492G>A variant is predicted to result in the amino acid substitution p.Glu498Lys. To our knowledge, this variant has not been reported in the literature. This variant is reported in 0.0077% of alleles in individuals of African descent in gnomAD. At this time, the clinical significance of this variant is uncertain due to the absence of conclusive functional and genetic evidence.

Genomic Medicine Center of Excellence, King Faisal Specialist Hospital and Research Centre
Classification: Uncertain significance for Neurodevelopmental disorder with nonspecific brain abnormalities and with or without seizures. Last evaluated: 2024-03-29. Review status: criteria provided, single submitter. Criteria: ACMG Guidelines, 2015. Collection method: clinical testing. Allele origin: germline.

NM_005618.4(DLL1):c.1492G>A (p.Glu498Lys)

Gene: DLL1 (delta like canonical Notch ligand 1; minus strand). Cytogenetic location: 6q27.
Variant type: single nucleotide variant.
Coding change: c.1492G>A on transcript NM_005618.4 (MANE Select); coding-DNA position 1492, G replaced by A.
Protein change: p.Glu498Lys; replaces glutamic acid 498 with lysine.
Molecular consequence: missense variant.
Genome position (GRCh38, 1-based): chr6:170,283,787, C>T on the plus strand (G>A on the coding strand, the complement: DLL1 is on the minus strand). VCF-style: chr6-170283787-C-T. GRCh37 (hg19) VCF-style: chr6-170592875-C-T.
Other names: c.1492G>A (NM_005618.3); short protein forms E498K.
Identifiers: ClinVar variation 3065912 (VCV003065912.2), dbSNP rs371262985, ClinGen allele CA4106810.
Genomic context (GRCh38, chr6:170,283,787, plus strand): 5'-ACTGGCAGTTGGGACCCCCGTAGCCTCGGGCACACTCGCACACATAGCGGTGGCCCCTCT[C>T]GTGGCAGGTGGCCCCATTGTGGCAGGGTGCGTGCTCGCACCTGCTGACGGGGGCACTGCA-3'
Protein context (NP_005609.3, residues 488-508): APCHNGATCH[Glu498Lys]RGHRYVCECA